The following is an entry in ClinVar:

NM_001401501.2(MUC16):c.11057C>T (p.Ser3686Phe)

Gene: MUC16 (mucin 16, cell surface associated; minus strand). Cytogenetic location: 19p13.2.
Variant type: single nucleotide variant.
Coding change: c.11057C>T on transcript NM_001401501.2 (MANE Select); coding-DNA position 11057, C replaced by T.
Protein change: p.Ser3686Phe; replaces serine 3686 with phenylalanine.
Molecular consequence: missense variant.
Genome position (GRCh38, 1-based): chr19:8,965,833, G>A on the plus strand (C>T on the coding strand, the complement: MUC16 is on the minus strand). VCF-style: chr19-8965833-G-A. GRCh37 (hg19) VCF-style: chr19-9076509-G-A.
Other names: c.11483C>T, p.Ser3828Phe (NM_001414686.1); c.10937C>T, p.Ser3646Phe (NM_001414687.1, NM_024690.2); short protein forms S3646F, S3686F, S3828F.
Identifiers: ClinVar variation 3040833 (VCV003040833.2), dbSNP rs145672201, ClinGen allele CA9171363.

ClinVar aggregate classification (germline): Likely benign (0 of 4 stars; one submission).

Conditions:
MUC16-related disorder. Also called: MUC16-related condition.

Allele frequency attached by ClinVar (database versions not stated): gnomAD exomes 0.00021; ExAC 0.00072; 1000 Genomes Project 0.00200; gnomAD 0.00212; TOPMed 0.00239; ESP Exome Variant Server 0.00244; 1000 Genomes Project 30x 0.00250.

Submission:

PreventionGenetics, part of Exact Sciences
Classification: Likely benign for MUC16-related condition. Last evaluated: 2019-02-18. Review status: no assertion criteria provided. Collection method: clinical testing. Allele origin: germline.
Comment: This variant is classified as likely benign based on ACMG/AMP sequence variant interpretation guidelines (Richards et al. 2015 PMID: 25741868, with internal and published modifications).